The following is an entry in ClinVar:

ClinVar aggregate classification (germline): Likely benign. Review status: criteria provided, multiple submitters, no conflicts (2 of 4 stars). 3 submissions from 3 submitters: Likely benign (3). Last evaluated 2025-05-05.

Conditions:
Developmental and epileptic encephalopathy, 11 (DEE11). Also called: Early infantile epileptic encephalopathy 11. Identifiers: Orphanet 1934, MedGen C3150987, MONDO:0013388, OMIM 613721.
Seizures, benign familial infantile, 3 (BFIS3). Also called: CONVULSIONS, BENIGN FAMILIAL INFANTILE, 3; Familial neonatal seizures. Identifiers: Orphanet 140927, Orphanet 306, MedGen C1843140, MONDO:0011904, OMIM 607745.

Allele frequency attached by ClinVar (database versions not stated): gnomAD exomes below 0.00001.
gnomAD v4.1: 3 of 1,614,180 alleles (0.00019%); highest among the groups gnomAD compares: Non-Finnish European, 0.00025%; no homozygotes.

Submissions (3):

Labcorp Genetics (formerly Invitae), Labcorp
Classification: Likely benign for Seizures, benign familial infantile, 3; Developmental and epileptic encephalopathy, 11. Last evaluated: 2025-05-05. Review status: criteria provided, single submitter. Criteria: Invitae Variant Classification Sherloc (09022015). Collection method: clinical testing. Allele origin: germline.

CeGaT Center for Human Genetics Tuebingen
Classification: Likely benign. Last evaluated: 2020-03-01. Review status: criteria provided, single submitter. Criteria: CeGaT Center For Human Genetics Tuebingen Variant Classification Criteria Version 2. Collection method: clinical testing. Allele origin: germline. Affected: yes. Observed: 1 variant allele.

GeneDx
Classification: Likely benign. Last evaluated: 2016-04-11. Review status: criteria provided, single submitter. Criteria: GeneDx Variant Classification (06012015). Collection method: clinical testing. Allele origin: germline. Affected: yes.
Comment: This variant is considered likely benign or benign based on one or more of the following criteria: it is a conservative change, it occurs at a poorly conserved position in the protein, it is predicted to be benign by multiple in silico algorithms, and/or has population frequency not consistent with disease.

NM_001040142.2(SCN2A):c.1833G>A (p.Leu611=)

Gene: SCN2A (sodium voltage-gated channel alpha subunit 2; plus strand). Cytogenetic location: 2q24.3.
Variant type: single nucleotide variant.
Coding change: c.1833G>A on transcript NM_001040142.2 (MANE Select); coding-DNA position 1833, G replaced by A.
Protein change: p.Leu611=; no amino-acid change (leucine 611 retained).
Molecular consequence: synonymous variant.
Genome position (GRCh38, 1-based): chr2:165,323,317, G>A. VCF-style: chr2-165323317-G-A. GRCh37 (hg19) VCF-style: chr2-166179827-G-A.
Other names: c.1833G>A, p.Leu611= (NM_001040143.2, NM_001371246.1, NM_001371247.1 and 1 more transcripts).
Identifiers: ClinVar variation 385550 (VCV000385550.50), dbSNP rs1057522258, ClinGen allele CA16603815.
Genomic context (GRCh38, chr2:165,323,317, plus strand): 5'-TGACTTTGCTGATGATGAGCACAGCACCTTTGAGGACAATGACAGCCGAAGAGACTCTCT[G>A]TTCGTGCCGCACAGACATGGAGAACGGCGCCACAGCAATGTCAGCCAGGCCAGCCGTGCC-3'
Protein context (NP_001035232.1, residues 601-621): FEDNDSRRDS[Leu611=]FVPHRHGERR